The following is an entry in ClinVar:

ClinVar aggregate classification (germline): Likely pathogenic (1 of 4 stars; one submission).

Conditions:
Hypophosphatasia. Also called: Phosphoethanol-aminuria. Identifiers: Orphanet 436, MedGen C0020630, MeSH D007014, MONDO:0018570.

gnomAD v4.1: 1 of 1,608,586 alleles (0.000062%); highest among the groups gnomAD compares: Non-Finnish European, 0.000085%; no homozygotes.

Submission:

Genomenon, Inc
Classification: Likely pathogenic for Hypophosphatasia. Last evaluated: 2026-09-01. Review status: criteria provided, single submitter. Criteria: Genomenon Sequence Variant Interpretation Standards - Updated. Collection method: curation. Allele origin: germline. Affected: yes.
Comment: ALPL p.Met62Ile (c.186G>A) is a missense variant that changes the amino acid at codon 62 from Methionine to Isoleucine. This variant has been observed in at least one proband affected with an ALPL-related disorder (PMID:30049651). At least one functional study has demonstrated a substantial alteration in protein function relative to the wild-type (PMID:15671102). It is absent or not present at a significant frequency in gnomAD. In silico models predict that this variant is possibly or probably damaging. In conclusion, we classify ALPL p.Met62Ile (c.186G>A) as a likely pathogenic variant.

Literature cited by the submitters: PubMed 30049651; PubMed 15671102.

NM_000478.6(ALPL):c.186G>A (p.Met62Ile)

Gene: ALPL (alkaline phosphatase, biomineralization associated; plus strand). Cytogenetic location: 1p36.12.
Variant type: single nucleotide variant.
Coding change: c.186G>A on transcript NM_000478.6 (MANE Select); coding-DNA position 186, G replaced by A.
Protein change: p.Met62Ile; replaces methionine 62 with isoleucine.
Molecular consequence: missense variant. On other transcripts: intron variant (1).
Genome position (GRCh38, 1-based): chr1:21,561,101, G>A. VCF-style: chr1-21561101-G-A. GRCh37 (hg19) VCF-style: chr1-21887594-G-A.
Other names: c.21G>A, p.Met7Ile (NM_001127501.4); c.186G>A, p.Met62Ile (NM_001369803.2, NM_001369804.2, NM_001369805.2); c.66+356G>A (NM_001177520.3); short protein forms M62I, M7I.
Identifiers: ClinVar variation 4086897 (VCV004086897.2).